The following is an entry in ClinVar:

ClinVar aggregate classification (germline): Uncertain significance (1 of 4 stars; one submission).

Conditions:
Hereditary cancer-predisposing syndrome. Also called: Tumor predisposition; Hereditary neoplastic syndrome; Hereditary Cancer Syndrome; Neoplastic Syndromes, Hereditary. Identifiers: Orphanet 140162, MedGen C0027672, MeSH D009386, MONDO:0015356.

Submission:

Ambry Genetics
Classification: Uncertain significance for Hereditary cancer-predisposing syndrome. Last evaluated: 2025-03-31. Review status: criteria provided, single submitter. Criteria: Ambry Variant Classification Scheme 2023. Collection method: clinical testing. Allele origin: germline.
Comment: The c.734+5delG intronic variant, located in intron 5 of the STK11 gene, results from a deletion of one nucleotide within intron 5 of the STK11 gene. This nucleotide position is highly conserved in available vertebrate species. In silico splice site analysis predicts that this alteration will weaken the native splice donor site and may result in the creation or strengthening of a novel splice donor site; however, direct evidence is insufficient at this time (Ambry internal data). Based on the available evidence, the clinical significance of this variant remains unclear.

NM_000455.5(STK11):c.734+5del

Gene: STK11 (serine/threonine kinase 11; plus strand). Cytogenetic location: 19p13.3.
Variant type: Deletion.
Coding change: c.734+5del on transcript NM_000455.5 (MANE Select); 5 bases into the intron after coding-DNA position 734, one base deleted (G; older notation c.734+5delG).
Molecular consequence: intron variant.
Genome position (GRCh38, 1-based): chr19:1,220,722, G deleted. VCF-style (leftmost placement, unchanged base first): chr19-1220721-AG-A. GRCh37 (hg19) VCF-style: chr19-1220720-AG-A.
Other names: c.734+5del (NM_001407255.1).
Identifiers: ClinVar variation 3963254 (VCV003963254.1).
Genomic context (GRCh38, chr19:1,220,721, plus strand): 5'-CGGCCTGGACACCTTCTCCGGCTTCAAGGTGGACATCTGGTCGGCTGGGGTCACCCTGTA[AG>A]TGCCCCGCCCCCCCGGGCACTCACCACACGCACACTCCGAGGGGCCTCTGCGTCTTGGGC-3'